The following is an entry in ClinVar:

NM_032119.4(ADGRV1):c.12965T>C (p.Leu4322Pro)

Gene: ADGRV1 (adhesion G protein-coupled receptor V1; plus strand). Cytogenetic location: 5q14.3.
Variant type: single nucleotide variant.
Coding change: c.12965T>C on transcript NM_032119.4 (MANE Select); coding-DNA position 12965, T replaced by C.
Protein change: p.Leu4322Pro; replaces leucine 4322 with proline.
Molecular consequence: missense variant. On other transcripts: non-coding transcript variant (1).
Genome position (GRCh38, 1-based): chr5:90,778,980, T>C. VCF-style: chr5-90778980-T-C. GRCh37 (hg19) VCF-style: chr5-90074797-T-C.
Other names: short protein forms L4322P.
Identifiers: ClinVar variation 1371038 (VCV001371038.8), dbSNP rs373106949, ClinGen allele CA122804256.

ClinVar aggregate classification (germline): Uncertain significance (1 of 4 stars; one submission).

Allele frequency attached by ClinVar (database versions not stated): gnomAD exomes below 0.00001; gnomAD 0.00001; TOPMed 0.00001; ESP Exome Variant Server 0.00008.
gnomAD v4.1: 2 of 1,613,254 alleles (0.00012%); highest among the groups gnomAD compares: African/African-American, 0.0027%; no homozygotes.

Submission:

Labcorp Genetics (formerly Invitae), Labcorp
Classification: Uncertain significance. Last evaluated: 2021-02-10. Review status: criteria provided, single submitter. Criteria: Invitae Variant Classification Sherloc (09022015). Collection method: clinical testing. Allele origin: germline.
Comment: In summary, the available evidence is currently insufficient to determine the role of this variant in disease. Therefore, it has been classified as a Variant of Uncertain Significance. Algorithms developed to predict the effect of missense changes on protein structure and function are either unavailable or do not agree on the potential impact of this missense change (SIFT: "Deleterious"; PolyPhen-2: "Benign"; Align-GVGD: "Class C65"). This variant has not been reported in the literature in individuals with ADGRV1-related conditions. This variant is not present in population databases (ExAC no frequency). This sequence change replaces leucine with proline at codon 4322 of the ADGRV1 protein (p.Leu4322Pro). The leucine residue is highly conserved and there is a moderate physicochemical difference between leucine and proline.